The following is an entry in ClinVar:

ClinVar aggregate classification (germline): Likely benign (0 of 4 stars; one submission).

Conditions:
AKR1D1-related disorder. Also called: AKR1D1-related condition.

Allele frequency attached by ClinVar (database versions not stated): 1000 Genomes Project 30x 0.00078; TOPMed 0.00011; ExAC 0.00015; 1000 Genomes Project 0.00100; gnomAD exomes 0.00005; gnomAD 0.00016.
gnomAD v4.1: 95 of 1,503,198 alleles (0.0063%); highest among the groups gnomAD compares: East Asian, 0.15%; no homozygotes.

Submission:

PreventionGenetics, part of Exact Sciences
Classification: Likely benign for AKR1D1-related condition. Last evaluated: 2021-08-25. Review status: no assertion criteria provided. Collection method: clinical testing. Allele origin: germline.
Comment: This variant is classified as likely benign based on ACMG/AMP sequence variant interpretation guidelines (Richards et al. 2015 PMID: 25741868, with internal and published modifications).

NM_005989.4(AKR1D1):c.379-4T>C

Gene: AKR1D1 (aldo-keto reductase family 1 member D1; plus strand). Cytogenetic location: 7q33.
Variant type: single nucleotide variant.
Coding change: c.379-4T>C on transcript NM_005989.4 (MANE Select); 4 bases into the intron before coding-DNA position 379, T replaced by C.
Molecular consequence: intron variant.
Genome position (GRCh38, 1-based): chr7:138,097,862, T>C. VCF-style: chr7-138097862-T-C. GRCh37 (hg19) VCF-style: chr7-137782608-T-C.
Other names: c.379-4T>C (NM_001190907.2, NM_001190906.2).
Identifiers: ClinVar variation 3047755 (VCV003047755.2), dbSNP rs199951099, ClinGen allele CA4502680.
Genomic context (GRCh38, chr7:138,097,862, plus strand): 5'-CTATTATTTAATTCCCAGATATAAATAAAATGAATTACATTTATTCTTTTTTTTTTTTTT[T>C]CAGCCAGGAGATGAAATATACCCTAGAGATGAGAATGGCAAATGGTTATATCACAAGTCA-3'